The following is an entry in ClinVar:

ClinVar aggregate classification (germline): Uncertain significance (1 of 4 stars; one submission).

Conditions:
Hypertrophic cardiomyopathy. Also called: HYPERTROPHIC MYOCARDIOPATHY. Identifiers: Orphanet 217569, MedGen C0007194, MeSH D002312, MONDO:0005045, HP:0001639.

Submission:

Labcorp Genetics (formerly Invitae), Labcorp
Classification: Uncertain significance for Hypertrophic cardiomyopathy. Last evaluated: 2022-11-23. Review status: criteria provided, single submitter. Criteria: Invitae Variant Classification Sherloc (09022015). Collection method: clinical testing. Allele origin: germline.
Comment: This sequence change replaces glycine, which is neutral and non-polar, with arginine, which is basic and polar, at codon 636 of the MYH7 protein (p.Gly636Arg). This variant is not present in population databases (gnomAD no frequency). This variant has not been reported in the literature in individuals affected with MYH7-related conditions. Advanced modeling of protein sequence and biophysical properties (such as structural, functional, and spatial information, amino acid conservation, physicochemical variation, residue mobility, and thermodynamic stability) performed at Invitae indicates that this missense variant is expected to disrupt MYH7 protein function. In summary, the available evidence is currently insufficient to determine the role of this variant in disease. Therefore, it has been classified as a Variant of Uncertain Significance.

NM_000257.4(MYH7):c.1906G>C (p.Gly636Arg)

Gene: MYH7 (myosin heavy chain 7; minus strand). Cytogenetic location: 14q11.2.
Variant type: single nucleotide variant.
Coding change: c.1906G>C on transcript NM_000257.4 (MANE Select); coding-DNA position 1906, G replaced by C.
Protein change: p.Gly636Arg; replaces glycine 636 with arginine.
Molecular consequence: missense variant.
Genome position (GRCh38, 1-based): chr14:23,427,290, C>G on the plus strand (G>C on the coding strand, the complement: MYH7 is on the minus strand). VCF-style: chr14-23427290-C-G. GRCh37 (hg19) VCF-style: chr14-23896499-C-G.
Other names: c.1906G>C, p.Gly636Arg (NM_001407004.1); short protein forms G636R.
Identifiers: ClinVar variation 2815853 (VCV002815853.3), dbSNP rs876661371, ClinGen allele CA389049564.